The following is an entry in ClinVar:

ClinVar aggregate classification (germline): Uncertain significance (1 of 4 stars; one submission).

Conditions:
Cardiovascular phenotype. Identifiers: MedGen CN230736.

gnomAD v4.1: 1 of 1,613,988 alleles (0.000062%); highest among the groups gnomAD compares: Non-Finnish European, 0.000085%; no homozygotes.

Submission:

Ambry Genetics
Classification: Uncertain significance for Cardiovascular phenotype. Last evaluated: 2022-05-24. Review status: criteria provided, single submitter. Criteria: Ambry Variant Classification Scheme 2023. Collection method: clinical testing. Allele origin: germline.
Comment: The p.P1459Q variant (also known as c.4376C>A), located in coding exon 25 of the SCN10A gene, results from a C to A substitution at nucleotide position 4376. The proline at codon 1459 is replaced by glutamine, an amino acid with similar properties. This amino acid position is conserved. In addition, this alteration is predicted to be deleterious by in silico analysis. Since supporting evidence is limited at this time, the clinical significance of this alteration remains unclear.

NM_006514.4(SCN10A):c.4376C>A (p.Pro1459Gln)

Gene: SCN10A (sodium voltage-gated channel alpha subunit 10; minus strand). Cytogenetic location: 3p22.2.
Variant type: single nucleotide variant.
Coding change: c.4376C>A on transcript NM_006514.4 (MANE Select); coding-DNA position 4376, C replaced by A.
Protein change: p.Pro1459Gln; replaces proline 1459 with glutamine.
Molecular consequence: missense variant.
Genome position (GRCh38, 1-based): chr3:38,707,289, G>T on the plus strand (C>A on the coding strand, the complement: SCN10A is on the minus strand). VCF-style: chr3-38707289-G-T. GRCh37 (hg19) VCF-style: chr3-38748780-G-T.
Other names: c.4373C>A, p.Pro1458Gln (NM_001293306.2); c.4082C>A, p.Pro1361Gln (NM_001293307.2); short protein forms P1361Q, P1459Q, P1458Q.
Identifiers: ClinVar variation 1740118 (VCV001740118.2), dbSNP rs757704367, ClinGen allele CA352148377.
Genomic context (GRCh38, chr3:38,707,289, plus strand): 5'-CATGTTGGATTCACAGACAGGCTGTGCTAGAGGAAACCTCTGGGGCTCACCAGGGGCCGT[G>T]GGATGGGCTTCTGGGGCTTCTTGGAGCCCAACTTCTTCATGGCATTGTAGTATTTCTTCT-3'
Protein context (NP_006505.4, residues 1449-1469): LGSKKPQKPI[Pro1459Gln]RPLNKFQGFV